The following is an entry in ClinVar:

ClinVar aggregate classification (germline): Pathogenic (1 of 4 stars; one submission).

Conditions:
Hereditary cancer-predisposing syndrome. Also called: Neoplastic Syndromes, Hereditary; Hereditary Cancer Syndrome; Hereditary neoplastic syndrome; Tumor predisposition. Identifiers: Orphanet 140162, MedGen C0027672, MeSH D009386, MONDO:0015356.

Submission:

Ambry Genetics
Classification: Pathogenic for Hereditary cancer-predisposing syndrome. Last evaluated: 2017-08-03. Review status: criteria provided, single submitter. Criteria: Ambry Variant Classification Scheme 2023. Collection method: clinical testing. Allele origin: germline.
Comment: The c.7626_7637del12insT pathogenic mutation, located in coding exon 15 of the BRCA2 gene, results from the deletion of 12 nucleotides and insertion of one nucleotide leading to an alternate stop codon (p.Y2543*). This alteration is expected to result in loss of function by premature protein truncation or nonsense-mediated mRNA decay. As such, this alteration is interpreted as a disease-causing mutation.

NM_000059.4(BRCA2):c.7626_7637delinsT (p.Thr2542_Tyr2543insTer)

Gene: BRCA2 (BRCA2 DNA repair associated; plus strand). Cytogenetic location: 13q13.1.
Variant type: Indel.
Coding change: c.7626_7637delinsT on transcript NM_000059.4 (MANE Select); coding-DNA positions 7626 to 7637, GTATGGCGTTTC replaced by T.
Protein change: p.Thr2542_Tyr2543insTer.
Molecular consequence: frameshift variant.
Genome position (GRCh38, 1-based): chr13:32,357,750-32,357,761, GTATGGCGTTTC replaced by T. VCF-style: chr13-32357750-GTATGGCGTTTC-T. GRCh37 (hg19) VCF-style: chr13-32931887-GTATGGCGTTTC-T.
Identifiers: ClinVar variation 479400 (VCV000479400.5), dbSNP rs1555286388, ClinGen allele CA658656451.